The following is an entry in ClinVar:

ClinVar aggregate classification (germline): Pathogenic (1 of 4 stars; one submission).

Conditions:
Neutral lipid storage myopathy (NLSDM). Also called: NEUTRAL LIPID STORAGE DISEASE WITHOUT ICHTHYOSIS. Identifiers: Orphanet 98908, MedGen C1853136, MONDO:0012545, OMIM 610717.

Submission:

Labcorp Genetics (formerly Invitae), Labcorp
Classification: Pathogenic for Neutral lipid storage myopathy. Last evaluated: 2025-10-20. Review status: criteria provided, single submitter. Criteria: Invitae Variant Classification Sherloc (09022015). Collection method: clinical testing. Allele origin: germline.
Comment: This sequence change creates a premature translational stop signal (p.Leu232Argfs*24) in the PNPLA2 gene. It is expected to result in an absent or disrupted protein product. Loss-of-function variants in PNPLA2 are known to be pathogenic (PMID: 17187067). This variant is present in population databases (no rsID available, gnomAD 0.003%). This premature translational stop signal has been observed in individual(s) with neutral lipid storage disease with myopathy (PMID: 18952067, 28499397). This variant is also known as c.659delT and p.L255X. For these reasons, this variant has been classified as Pathogenic.

Literature cited by the submitters: PubMed 17187067; PubMed 18952067; PubMed 28499397.

NM_020376.4(PNPLA2):c.695del (p.Leu232fs)

Gene: PNPLA2 (patatin like domain 2, triacylglycerol lipase; plus strand). Cytogenetic location: 11p15.5.
Variant type: Deletion.
Coding change: c.695del on transcript NM_020376.4 (MANE Select); coding-DNA position 695, one base deleted (T; older notation c.695delT).
Protein change: p.Leu232fs; shifts the reading frame from leucine 232.
Molecular consequence: frameshift variant.
Genome position (GRCh38, 1-based): chr11:822,605, T deleted. VCF-style (leftmost placement, unchanged base first): chr11-822604-CT-C. GRCh37 (hg19) VCF-style: chr11-822604-CT-C.
Other names: short protein forms L232fs.
Identifiers: ClinVar variation 4696746 (VCV004696746.1).